The following is an entry in ClinVar:

ClinVar aggregate classification (germline): Uncertain significance. Review status: criteria provided, multiple submitters, no conflicts (2 of 4 stars). 6 submissions from 6 submitters: Uncertain significance (5). 1 of the submissions does not count toward it. Last evaluated 2025-08-31.

Conditions:
Nemaline myopathy 2 (NEM2). Also called: Nemaline myopathy 2, autosomal recessive. Identifiers: MedGen C1850569, MONDO:0009725, OMIM 256030.
Inborn genetic diseases. Identifiers: MedGen C0950123, MeSH D030342.

Allele frequency attached by ClinVar (database versions not stated): TOPMed 0.00002; ExAC 0.00008; 1000 Genomes Project 30x 0.00016; 1000 Genomes Project 0.00020.
gnomAD v4.1: 45 of 1,599,610 alleles (0.0028%); highest among the groups gnomAD compares: South Asian, 0.021%; no homozygotes.

Submissions (6):

Ambry Genetics
Classification: Uncertain significance for Inborn genetic diseases. Last evaluated: 2025-08-31. Review status: criteria provided, single submitter. Criteria: Ambry Variant Classification Scheme 2023. Collection method: clinical testing. Allele origin: germline.

Labcorp Genetics (formerly Invitae), Labcorp
Classification: Uncertain significance for Nemaline myopathy 2. Last evaluated: 2024-09-14. Review status: criteria provided, single submitter. Criteria: Invitae Variant Classification Sherloc (09022015). Collection method: clinical testing. Allele origin: germline.
Comment: This sequence change replaces arginine, which is basic and polar, with cysteine, which is neutral and slightly polar, at codon 2721 of the NEB protein (p.Arg2721Cys). This variant is present in population databases (rs570763682, gnomAD 0.02%). This variant has not been reported in the literature in individuals affected with NEB-related conditions. ClinVar contains an entry for this variant (Variation ID: 648883). Experimental studies and prediction algorithms are not available or were not evaluated, and the functional significance of this variant is currently unknown. In summary, the available evidence is currently insufficient to determine the role of this variant in disease. Therefore, it has been classified as a Variant of Uncertain Significance.

GeneDx
Classification: Uncertain significance. Last evaluated: 2024-09-10. Review status: criteria provided, single submitter. Criteria: GeneDx Variant Classification Process June 2021. Collection method: clinical testing. Allele origin: germline. Affected: yes.
Comment: In silico analysis supports that this missense variant has a deleterious effect on protein structure/function; Has not been previously published as pathogenic or benign to our knowledge

Neuberg Centre For Genomic Medicine, NCGM
Classification: Uncertain significance for Nemaline myopathy 2. Last evaluated: 2023-06-22. Review status: criteria provided, single submitter. Criteria: ACMG Guidelines, 2015. Collection method: clinical testing. Allele origin: germline. Inheritance: Autosomal recessive inheritance. Affected: yes.
Comment: The missense c.8161C>T (p.Arg2721Cys) variant in the NEB gene has not been reported previously as a pathogenic variant nor as a benign variant, to our knowledge. This variant is reported with the allele frequency 0.005% in the gnomAD Exomes. This variant has been reported to the ClinVar database as Uncertain Significance by multiple submitters. However, no details are available for independent assessment. The amino acid Arginine at position 2721 is changed to a Cystine changing protein sequence and it might alter its composition and physico-chemical properties. Multiple lines of computational evidence (Polyphen Damaging, SIFT - Damaging and MutationTaster - Disease causing) predict a damaging effect on protein structure and function for this variant. The amino acid Arginine in NEB is predicted as conserved by GERP++ and PhyloP across 100 vertebrates. For these reasons, this variant has been classified as Uncertain Significance.

Revvity Omics, Revvity
Classification: Uncertain significance. Last evaluated: 2020-07-28. Review status: criteria provided, single submitter. Criteria: ACMG Guidelines, 2015. Collection method: clinical testing. Allele origin: germline.

Natera, Inc.
Classification: Uncertain significance for Nemaline myopathy type 2. Last evaluated: 2020-01-17. Review status: no assertion criteria provided. Collection method: clinical testing. Allele origin: germline. Not counted in ClinVar's aggregate classification.

NM_001164508.2(NEB):c.8161C>T (p.Arg2721Cys)

Gene: NEB (nebulin; minus strand). Cytogenetic location: 2q23.3.
Variant type: single nucleotide variant.
Coding change: c.8161C>T on transcript NM_001164508.2 (MANE Select); coding-DNA position 8161, C replaced by T.
Protein change: p.Arg2721Cys; replaces arginine 2721 with cysteine.
Molecular consequence: missense variant.
Genome position (GRCh38, 1-based): chr2:151,642,869, G>A on the plus strand (C>T on the coding strand, the complement: NEB is on the minus strand). VCF-style: chr2-151642869-G-A. GRCh37 (hg19) VCF-style: chr2-152499383-G-A.
Other names: c.8161C>T (NM_004543.4); c.8161C>T, p.Arg2721Cys (NM_001164507.2, NM_001271208.2, NM_004543.5); short protein forms R2721C.
Identifiers: ClinVar variation 648883 (VCV000648883.12), dbSNP rs570763682, ClinGen allele CA1909657.
Genomic context (GRCh38, chr2:151,642,869, plus strand): 5'-GGGTATCTGGCATAATGTGGACAGTGGTTTTATCTTTATCCCAAGCTTCTGTATAGAGGC[G>A]CTAAGAGAAACAGAAAAACATGACTGGTATAGGCCAGTAATAAATAGACACATGCAGACA-3'
Protein context (NP_001157980.2, residues 2711-2731): AKNNAITMNH[Arg2721Cys]LYTEAWDKDK